The following is an entry in ClinVar:

NM_004415.4(DSP):c.3259G>A (p.Glu1087Lys)

Gene: DSP (desmoplakin; plus strand). Cytogenetic location: 6p24.3.
Variant type: single nucleotide variant.
Coding change: c.3259G>A on transcript NM_004415.4 (MANE Select); coding-DNA position 3259, G replaced by A.
Protein change: p.Glu1087Lys; replaces glutamic acid 1087 with lysine.
Molecular consequence: missense variant.
Genome position (GRCh38, 1-based): chr6:7,579,449, G>A. VCF-style: chr6-7579449-G-A. GRCh37 (hg19) VCF-style: chr6-7579682-G-A.
Other names: c.3259G>A, p.Glu1087Lys (NM_001008844.3, NM_001319034.2); c.3259G>A (LRG_423t1); short protein forms E1087K.
Identifiers: ClinVar variation 569939 (VCV000569939.11), dbSNP rs1561697118, ClinGen allele CA362683443.

ClinVar aggregate classification (germline): Uncertain significance. Review status: criteria provided, multiple submitters, no conflicts (2 of 4 stars). 2 submissions from 2 submitters: Uncertain significance (2). Last evaluated 2022-07-12.

Conditions:
Arrhythmogenic right ventricular dysplasia 8 (ARVD8). Also called: Arrhythmogenic Right Ventricular Dysplasia/Cardiomyopathy 8; ARRHYTHMOGENIC RIGHT VENTRICULAR DYSPLASIA, FAMILIAL, 8; ARRHYTHMOGENIC RIGHT VENTRICULAR CARDIOMYOPATHY 8. Identifiers: MedGen C1843896, MONDO:0011831, OMIM 607450.
Arrhythmogenic cardiomyopathy with wooly hair and keratoderma. Also called: Carvajal syndrome; Dilated cardiomyopathy with woolly hair and keratoderma; Arrhythmogenic cardiomyopathy with woolly hair and keratoderma; PALMOPLANTAR KERATODERMA WITH LEFT VENTRICULAR CARDIOMYOPATHY AND WOOLLY HAIR. Identifiers: Orphanet 65282, MedGen C1854063, MONDO:0011581, OMIM 605676.
Cardiovascular phenotype. Identifiers: MedGen CN230736.

Allele frequency attached by ClinVar (database versions not stated): gnomAD exomes below 0.00001.
gnomAD v4.1: 1 of 1,614,156 alleles (0.000062%); highest among the groups gnomAD compares: Non-Finnish European, 0.000085%; no homozygotes.

Submissions (2):

Labcorp Genetics (formerly Invitae), Labcorp
Classification: Uncertain significance for Arrhythmogenic cardiomyopathy with wooly hair and keratoderma; Arrhythmogenic right ventricular dysplasia 8. Last evaluated: 2022-07-12. Review status: criteria provided, single submitter. Criteria: Invitae Variant Classification Sherloc (09022015). Collection method: clinical testing. Allele origin: germline.
Comment: This variant has not been reported in the literature in individuals affected with DSP-related conditions. ClinVar contains an entry for this variant (Variation ID: 569939). Algorithms developed to predict the effect of missense changes on protein structure and function are either unavailable or do not agree on the potential impact of this missense change (SIFT: "Tolerated"; PolyPhen-2: "Probably Damaging"; Align-GVGD: "Class C0"). In summary, the available evidence is currently insufficient to determine the role of this variant in disease. Therefore, it has been classified as a Variant of Uncertain Significance. This sequence change replaces glutamic acid, which is acidic and polar, with lysine, which is basic and polar, at codon 1087 of the DSP protein (p.Glu1087Lys). This variant is not present in population databases (gnomAD no frequency).

Ambry Genetics
Classification: Uncertain significance for Cardiovascular phenotype. Last evaluated: 2021-03-29. Review status: criteria provided, single submitter. Criteria: Ambry Variant Classification Scheme 2023. Collection method: clinical testing. Allele origin: germline.
Comment: The p.E1087K variant (also known as c.3259G>A), located in coding exon 23 of the DSP gene, results from a G to A substitution at nucleotide position 3259. The glutamic acid at codon 1087 is replaced by lysine, an amino acid with similar properties. This amino acid position is well conserved in available vertebrate species. In addition, the in silico prediction for this alteration is inconclusive. Since supporting evidence is limited at this time, the clinical significance of this alteration remains unclear.